The following is an entry in ClinVar:

NM_001605.3(AARS1):c.962+4A>C

Gene: AARS1 (alanyl-tRNA synthetase 1; minus strand). Cytogenetic location: 16q22.1.
Variant type: single nucleotide variant.
Coding change: c.962+4A>C on transcript NM_001605.3 (MANE Select); 4 bases into the intron after coding-DNA position 962, A replaced by C.
Molecular consequence: intron variant.
Genome position (GRCh38, 1-based): chr16:70,269,614, T>G on the plus strand (A>C on the coding strand, the complement: AARS1 is on the minus strand). VCF-style: chr16-70269614-T-G. GRCh37 (hg19) VCF-style: chr16-70303517-T-G.
Identifiers: ClinVar variation 3632429 (VCV003632429.2).

ClinVar aggregate classification (germline): Uncertain significance (1 of 4 stars; one submission).

Conditions:
Charcot-Marie-Tooth disease type 2. Also called: Charcot-Marie-Tooth type 2. Identifiers: Orphanet 64746, MedGen C0270914, MONDO:0018993.

gnomAD v4.1: 6 of 1,613,766 alleles (0.00037%); highest among the groups gnomAD compares: African/African-American, 0.008%; no homozygotes.

Submission:

Labcorp Genetics (formerly Invitae), Labcorp
Classification: Uncertain significance for Charcot-Marie-Tooth disease type 2. Last evaluated: 2024-12-26. Review status: criteria provided, single submitter. Criteria: Invitae Variant Classification Sherloc (09022015). Collection method: clinical testing. Allele origin: germline.
Comment: This sequence change falls in intron 7 of the AARS gene. It does not directly change the encoded amino acid sequence of the AARS protein. It affects a nucleotide within the consensus splice site. This variant is present in population databases (rs760922002, gnomAD 0.02%). This variant has not been reported in the literature in individuals affected with AARS-related conditions. Variants that disrupt the consensus splice site are a relatively common cause of aberrant splicing (PMID: 17576681, 9536098). Algorithms developed to predict the effect of sequence changes on RNA splicing suggest that this variant is not likely to affect RNA splicing. In summary, the available evidence is currently insufficient to determine the role of this variant in disease. Therefore, it has been classified as a Variant of Uncertain Significance.

Literature cited by the submitters: PubMed 17576681; PubMed 9536098.